The following is an entry in ClinVar:

ClinVar aggregate classification (germline): Uncertain significance (1 of 4 stars; one submission).

Submission:

Labcorp Genetics (formerly Invitae), Labcorp
Classification: Uncertain significance. Last evaluated: 2021-08-03. Review status: criteria provided, single submitter. Criteria: Invitae Variant Classification Sherloc (09022015). Collection method: clinical testing. Allele origin: germline.
Comment: In summary, the available evidence is currently insufficient to determine the role of this variant in disease. Therefore, it has been classified as a Variant of Uncertain Significance. Algorithms developed to predict the effect of missense changes on protein structure and function (SIFT, PolyPhen-2, Align-GVGD) all suggest that this variant is likely to be tolerated. This variant has not been reported in the literature in individuals affected with ALPK3-related conditions. This variant is not present in population databases (ExAC no frequency). This sequence change replaces glycine with arginine at codon 1306 of the ALPK3 protein (p.Gly1306Arg). The glycine residue is weakly conserved and there is a moderate physicochemical difference between glycine and arginine.

NM_020778.5(ALPK3):c.3310G>A (p.Gly1104Arg)

Gene: ALPK3 (alpha kinase 3; plus strand). Cytogenetic location: 15q25.3.
Variant type: single nucleotide variant.
Coding change: c.3310G>A on transcript NM_020778.5 (MANE Select); coding-DNA position 3310, G replaced by A.
Protein change: p.Gly1104Arg; replaces glycine 1104 with arginine.
Molecular consequence: missense variant.
Genome position (GRCh38, 1-based): chr15:84,858,048, G>A. VCF-style: chr15-84858048-G-A. GRCh37 (hg19) VCF-style: chr15-85401279-G-A.
Other names: short protein forms G1104R.
Identifiers: ClinVar variation 1495288 (VCV001495288.6), dbSNP rs1963888916, ClinGen allele CA393360011.
Genomic context (GRCh38, chr15:84,858,048, plus strand): 5'-GCCTCAGAAGGAGCCAGTGAGGGTGAAGGAGAGGTTTCCCCTGAGGGGCCTGGCCTCCTG[G>A]GGGCCTCTCAGGAGAGCAGCATGGCTGGTCGACTGGGGGAGGCGGGTGGGCAGGCAGCCC-3'
Protein context (NP_065829.4, residues 1094-1114): EVSPEGPGLL[Gly1104Arg]ASQESSMAGR